The following is an entry in ClinVar:

NM_001079843.3(CASZ1):c.279C>T (p.Asn93=)

Gene: CASZ1 (castor zinc finger 1; minus strand). Cytogenetic location: 1p36.22.
Variant type: single nucleotide variant.
Coding change: c.279C>T on transcript NM_001079843.3 (MANE Select); coding-DNA position 279, C replaced by T.
Protein change: p.Asn93=; no amino-acid change (asparagine 93 retained).
Molecular consequence: synonymous variant.
Genome position (GRCh38, 1-based): chr1:10,665,309, G>A on the plus strand (C>T on the coding strand, the complement: CASZ1 is on the minus strand). VCF-style: chr1-10665309-G-A. GRCh37 (hg19) VCF-style: chr1-10725366-G-A.
Other names: c.279C>T, p.Asn93= (NM_017766.5).
Identifiers: ClinVar variation 1592835 (VCV001592835.33), dbSNP rs201761485, ClinGen allele CA585487.
Genomic context (GRCh38, chr1:10,665,309, plus strand): 5'-GCCCTCGCGGGCAATCCGCCCCAACACGGGTGTGGGTGCCGGCTCCTCGCTGTACTCCCC[G>A]TTCACCCACTTCTCGATCACTGCCCGTCTCTTGTCTTCCTCGCTGCGGGGGGCCCGGGCT-3'
Protein context (NP_001073312.1, residues 83-103): KRRAVIEKWV[Asn93=]GEYSEEPAPT

ClinVar aggregate classification (germline): Benign/Likely benign. Review status: criteria provided, multiple submitters, no conflicts (2 of 4 stars). 3 submissions from 3 submitters: Benign (1); Likely benign (2). Last evaluated 2026-08-01.

Allele frequency attached by ClinVar (database versions not stated): ExAC 0.00047; gnomAD 0.00148 and 0.00160; TOPMed 0.00152; 1000 Genomes Project 0.00200; ESP Exome Variant Server 0.00200; 1000 Genomes Project 30x 0.00219.
gnomAD v4.1: 541 of 1,612,746 alleles (0.034%); highest among the groups gnomAD compares: African/African-American, 0.51%; 2 homozygotes.

Submissions (3):

CeGaT Center for Human Genetics Tuebingen
Classification: Likely benign. Last evaluated: 2026-08-01. Review status: criteria provided, single submitter. Criteria: CeGaT Center For Human Genetics Tuebingen Variant Classification Criteria Version 2. Collection method: clinical testing. Allele origin: germline. Affected: yes. Observed: 4 variant alleles.
Comment: CASZ1: BP4, BP7

Labcorp Genetics (formerly Invitae), Labcorp
Classification: Benign. Last evaluated: 2025-09-28. Review status: criteria provided, single submitter. Criteria: Invitae Variant Classification Sherloc (09022015). Collection method: clinical testing. Allele origin: germline.

Blueprint Genetics
Classification: Likely benign. Last evaluated: 2024-07-01. Review status: criteria provided, single submitter. Criteria: ACMG Guidelines, 2015. Collection method: clinical testing. Allele origin: germline.